The following is an entry in ClinVar:

NM_033100.4(CDHR1):c.50G>A (p.Cys17Tyr)

Gene: CDHR1 (cadherin related family member 1; plus strand). Cytogenetic location: 10q23.1.
Variant type: single nucleotide variant.
Coding change: c.50G>A on transcript NM_033100.4 (MANE Select); coding-DNA position 50, G replaced by A.
Protein change: p.Cys17Tyr; replaces cysteine 17 with tyrosine.
Molecular consequence: missense variant.
Genome position (GRCh38, 1-based): chr10:84,194,810, G>A. VCF-style: chr10-84194810-G-A. GRCh37 (hg19) VCF-style: chr10-85954566-G-A.
Other names: c.50G>A, p.Cys17Tyr (NM_001171971.3); short protein forms C17Y.
Identifiers: ClinVar variation 1374420 (VCV001374420.6), dbSNP rs1469025932, ClinGen allele CA377369160.

ClinVar aggregate classification (germline): Uncertain significance (1 of 4 stars; one submission).

Submission:

Labcorp Genetics (formerly Invitae), Labcorp
Classification: Uncertain significance. Last evaluated: 2023-03-23. Review status: criteria provided, single submitter. Criteria: Invitae Variant Classification Sherloc (09022015). Collection method: clinical testing. Allele origin: germline.
Comment: This sequence change replaces cysteine, which is neutral and slightly polar, with tyrosine, which is neutral and polar, at codon 17 of the CDHR1 protein (p.Cys17Tyr). This variant is not present in population databases (gnomAD no frequency). This variant has not been reported in the literature in individuals affected with CDHR1-related conditions. ClinVar contains an entry for this variant (Variation ID: 1374420). Advanced modeling of protein sequence and biophysical properties (such as structural, functional, and spatial information, amino acid conservation, physicochemical variation, residue mobility, and thermodynamic stability) performed at Invitae indicates that this missense variant is not expected to disrupt CDHR1 protein function. In summary, the available evidence is currently insufficient to determine the role of this variant in disease. Therefore, it has been classified as a Variant of Uncertain Significance.